The following is an entry in ClinVar:

ClinVar aggregate classification (germline): Benign/Likely benign. Review status: criteria provided, multiple submitters, no conflicts (2 of 4 stars). 5 submissions from 5 submitters: Benign (4); Likely benign (1). Last evaluated 2026-01-07.

Conditions:
Familial idiopathic hypercalciuria (HCA2). Also called: Hypercalciuria, absorptive, susceptibility to; Hypercalciuria, absorptive, 2. Identifiers: MedGen C0342639, MONDO:0007748, OMIM 143870.
ADCY10-related disorder. Also called: ADCY10-related condition.

Allele frequency attached by ClinVar (database versions not stated): gnomAD exomes 0.00049 and 0.00136; ExAC 0.00155; 1000 Genomes Project 0.00419; 1000 Genomes Project 30x 0.00484; gnomAD 0.00503 and 0.00545; ESP Exome Variant Server 0.00554; TOPMed 0.00614.
gnomAD v4.1: 1,498 of 1,614,124 alleles (0.093%); highest among the groups gnomAD compares: African/African-American, 1.7%; 12 homozygotes.

Submissions (5):

Labcorp Genetics (formerly Invitae), Labcorp
Classification: Benign. Last evaluated: 2026-01-07. Review status: criteria provided, single submitter. Criteria: Invitae Variant Classification Sherloc (09022015). Collection method: clinical testing. Allele origin: germline.

Mayo Clinic Laboratories, Mayo Clinic
Classification: Likely benign. Last evaluated: 2025-03-27. Review status: criteria provided, single submitter. Criteria: ACMG Guidelines, 2015. Collection method: clinical testing. Allele origin: germline. Observed: 2 variant alleles.
Comment: BS1, BP4, BP7

PreventionGenetics, part of Exact Sciences
Classification: Benign for ADCY10-related condition. Last evaluated: 2025-02-05. Review status: criteria provided, single submitter. Criteria: ACMG Guidelines, 2015. Collection method: clinical testing. Allele origin: germline.
Comment: This variant is classified as benign based on ACMG/AMP sequence variant interpretation guidelines (Richards et al. 2015 PMID: 25741868, with internal and published modifications).

Fulgent Genetics
Classification: Benign for Familial idiopathic hypercalciuria. Last evaluated: 2021-07-27. Review status: criteria provided, single submitter. Criteria: ACMG Guidelines, 2015. Collection method: clinical testing. Allele origin: unknown.

Breakthrough Genomics
Classification: Benign. Review status: criteria provided, single submitter. Criteria: ACMG Guidelines, 2015. Collection method: not provided. Allele origin: germline. Inheritance: Autosomal dominant inheritance. Affected: yes.

NM_018417.6(ADCY10):c.4075C>T (p.Leu1359=)

Gene: ADCY10 (adenylate cyclase 10; minus strand). Cytogenetic location: 1q24.2.
Variant type: single nucleotide variant.
Coding change: c.4075C>T on transcript NM_018417.6 (MANE Select); coding-DNA position 4075, C replaced by T.
Protein change: p.Leu1359=; no amino-acid change (leucine 1359 retained).
Molecular consequence: synonymous variant.
Genome position (GRCh38, 1-based): chr1:167,823,101, G>A on the plus strand (C>T on the coding strand, the complement: ADCY10 is on the minus strand). VCF-style: chr1-167823101-G-A. GRCh37 (hg19) VCF-style: chr1-167792339-G-A.
Other names: p.Leu1359=; c.3616C>T, p.Leu1206= (NM_001167749.3); c.3799C>T, p.Leu1267= (NM_001297772.2).
Identifiers: ClinVar variation 711294 (VCV000711294.14), dbSNP rs73039538, ClinGen allele CA1227149.